The following is an entry in ClinVar:

NM_020975.6(RET):c.2295C>G (p.Ser765=)

Gene: RET (ret proto-oncogene; plus strand). Cytogenetic location: 10q11.21.
Variant type: single nucleotide variant.
Coding change: c.2295C>G on transcript NM_020975.6 (MANE Select); coding-DNA position 2295, C replaced by G.
Protein change: p.Ser765=; no amino-acid change (serine 765 retained).
Molecular consequence: synonymous variant.
Genome position (GRCh38, 1-based): chr10:43,118,383, C>G. VCF-style: chr10-43118383-C-G. GRCh37 (hg19) VCF-style: chr10-43613831-C-G.
Other names: c.846C>G, p.Ser282= (NM_001406794.1, NM_001406792.1, NM_001406793.1); c.2295C>G, p.Ser765= (NM_020629.2, NM_020630.7, NM_000323.2 and 4 more transcripts); c.1533C>G, p.Ser511= (NM_001355216.2); c.2166C>G, p.Ser722= (NM_001406761.1, NM_001406762.1, NM_001406764.1); c.2160C>G, p.Ser720= (NM_001406763.1, NM_001406765.1); c.2007C>G, p.Ser669= (NM_001406766.1, NM_001406767.1, NM_001406770.1); c.2031C>G, p.Ser677= (NM_001406768.1); c.1899C>G, p.Ser633= (NM_001406769.1, NM_001406772.1); and 10 more.
Identifiers: ClinVar variation 3072377 (VCV003072377.1), dbSNP rs2538548480, ClinGen allele CA469028121.
Genomic context (GRCh38, chr10:43,118,383, plus strand): 5'-AGGGGCTTCCAGGAGCGATCGTTTGCAACCTGCTCTGTGCTGCATTTCAGAGAACGCCTC[C>G]CCGAGTGAGCTGCGAGACCTGCTGTCAGAGTTCAACGTCCTGAAGCAGGTCAACCACCCA-3'
Protein context (NP_066124.1, residues 755-775): VAVKMLKENA[Ser765=]PSELRDLLSE

ClinVar aggregate classification (germline): Likely benign (1 of 4 stars; one submission).

Conditions:
Multiple endocrine neoplasia, type 2 (MEN2). Identifiers: Orphanet 653, MedGen C4048306, MONDO:0019003. Disease mechanism: gain of function.

Submission:

All of Us Research Program, National Institutes of Health
Classification: Likely benign for Multiple endocrine neoplasia, type 2. Last evaluated: 2023-07-10. Review status: criteria provided, single submitter. Criteria: ACMG Guidelines, 2015. Collection method: clinical testing. Allele origin: germline. Inheritance: Autosomal dominant inheritance. Observed: 1 variant allele, 1 heterozygote.
Comment: This study involves interpretation of variants in research participants for the purpose of population health screening. Participant phenotype was not available at the time of variant classification. Additional details can be found in publication PMID: 35346344, PMCID: PMC8962531